The following is an entry in ClinVar:

ClinVar aggregate classification (germline): Uncertain significance (1 of 4 stars; one submission).

Conditions:
Familial hemiplegic migraine. Identifiers: MedGen C0338484, MONDO:0000700.

Submission:

Labcorp Genetics (formerly Invitae), Labcorp
Classification: Uncertain significance for Familial hemiplegic migraine. Last evaluated: 2024-07-11. Review status: criteria provided, single submitter. Criteria: Invitae Variant Classification Sherloc (09022015). Collection method: clinical testing. Allele origin: germline.
Comment: This sequence change falls in intron 1 of the ATP1A2 gene. It does not directly change the encoded amino acid sequence of the ATP1A2 protein. This variant is not present in population databases (gnomAD no frequency). This variant has not been reported in the literature in individuals affected with ATP1A2-related conditions. Experimental studies and prediction algorithms are not available or were not evaluated, and the effect of this variant on mRNA splicing is currently unknown. In summary, the available evidence is currently insufficient to determine the role of this variant in disease. Therefore, it has been classified as a Variant of Uncertain Significance.

NM_000702.4(ATP1A2):c.12+24_12+45dup

Gene: ATP1A2 (ATPase Na+/K+ transporting subunit alpha 2; plus strand). Cytogenetic location: 1q23.2.
Variant type: Duplication.
Coding change: c.12+24_12+45dup on transcript NM_000702.4 (MANE Select); bases 24 to 45 of the intron after coding-DNA position 12, 22 bases duplicated (GTCGCAGTCTAGAGGGTGAGGG).
Molecular consequence: intron variant.
Genome position (GRCh38, 1-based): chr1:160,115,897-160,115,918, GTCGCAGTCTAGAGGGTGAGGG duplicated; duplicating any 22 consecutive bases within chr1:160,115,893-160,115,918 gives the same sequence; the c. name uses the placement nearest the transcript's 3' end. VCF-style (leftmost placement, unchanged base first): chr1-160115892-C-CAGGGGTCGCAGTCTAGAGGGTG. GRCh37 (hg19) VCF-style: chr1-160085682-C-CAGGGGTCGCAGTCTAGAGGGTG.
Identifiers: ClinVar variation 3659290 (VCV003659290.2).